The following is an entry in ClinVar:

NM_016239.4(MYO15A):c.1238G>A (p.Trp413Ter)

Gene: MYO15A (myosin XVA; plus strand). Cytogenetic location: 17p11.2.
Variant type: single nucleotide variant.
Coding change: c.1238G>A on transcript NM_016239.4 (MANE Select); coding-DNA position 1238, G replaced by A.
Protein change: p.Trp413Ter; replaces tryptophan 413 with a stop codon.
Molecular consequence: nonsense.
Genome position (GRCh38, 1-based): chr17:18,120,038, G>A. VCF-style: chr17-18120038-G-A. GRCh37 (hg19) VCF-style: chr17-18023352-G-A.
Other names: short protein forms W413*.
Identifiers: ClinVar variation 2814801 (VCV002814801.3), dbSNP rs2142245203, ClinGen allele CA398578738.

ClinVar aggregate classification (germline): Pathogenic (1 of 4 stars; one submission).

Submission:

Labcorp Genetics (formerly Invitae), Labcorp
Classification: Pathogenic. Last evaluated: 2023-08-25. Review status: criteria provided, single submitter. Criteria: Invitae Variant Classification Sherloc (09022015). Collection method: clinical testing. Allele origin: germline.
Comment: This sequence change creates a premature translational stop signal (p.Trp413*) in the MYO15A gene. It is expected to result in an absent or disrupted protein product. Loss-of-function variants in MYO15A are known to be pathogenic (PMID: 17546645). This variant is not present in population databases (gnomAD no frequency). This variant has not been reported in the literature in individuals affected with MYO15A-related conditions. For these reasons, this variant has been classified as Pathogenic.

Literature cited by the submitters: PubMed 17546645.